The following is an entry in ClinVar:

NM_001267550.2(TTN):c.57808G>C (p.Val19270Leu)

Genes: TTN (titin; minus strand), TTN-AS1 (TTN antisense RNA 1; plus strand). Cytogenetic location: 2q31.2.
Variant type: single nucleotide variant.
Coding change: c.57808G>C on transcript NM_001267550.2 (MANE Select); coding-DNA position 57808, G replaced by C.
Protein change: p.Val19270Leu; replaces valine 19270 with leucine.
Molecular consequence: missense variant.
Genome position (GRCh38, 1-based): chr2:178,595,546, C>G on the plus strand (G>C on the coding strand, the complement: TTN is on the minus strand). VCF-style: chr2-178595546-C-G. GRCh37 (hg19) VCF-style: chr2-179460273-C-G.
Other names: p.Val16702Leu; c.52885G>C, p.Val17629Leu (NM_001256850.1); c.30613G>C, p.Val10205Leu (NM_003319.4); c.50104G>C, p.Val16702Leu (NM_133378.4); c.30988G>C, p.Val10330Leu (NM_133432.3); c.31189G>C, p.Val10397Leu (NM_133437.4); short protein forms V16702L, V19270L, V17629L, V10330L, V10397L, V10205L.
Identifiers: ClinVar variation 192164 (VCV000192164.19), dbSNP rs369440319, ClinGen allele CA238498.
Genomic context (GRCh38, chr2:178,595,546, plus strand): 5'-CATTTTTTTTTTTTTACTTACTTATTGGCTCTCTGATAACAAGTGCCTCTGATGTCTCAA[C>G]AAATGGACCCATGCCAATACTATTTTCAGCCGCAATTCGGAAAAAGTAGGCTTTTCCTTG-3'
Protein context (NP_001254479.2, residues 19260-19280): AENSIGMGPF[Val19270Leu]ETSEALVIRE

ClinVar aggregate classification (germline): Conflicting classifications of pathogenicity. Review status: criteria provided, conflicting classifications (1 of 4 stars). 10 submissions from 10 submitters: Uncertain significance (4); Benign (1); Likely benign (4). 1 of the submissions does not count toward it. Last evaluated 2026-03-17.

Conditions:
TTN-related disorder. Also called: TTN-related condition; TTN-related disease; TTN-related disorders.
Cardiovascular phenotype. Identifiers: MedGen CN230736.
Autosomal recessive limb-girdle muscular dystrophy type 2J (LGMDR10). Also called: MUSCULAR DYSTROPHY, LIMB-GIRDLE, AUTOSOMAL RECESSIVE 10; Limb-girdle muscular dystrophy, type 2J. Identifiers: Orphanet 140922, MedGen C1837342, MONDO:0012127, OMIM 608807.
Dilated cardiomyopathy 1G (CMD1G). Identifiers: Orphanet 154, MedGen C1858763, MONDO:0011400, OMIM 604145.
Cardiomyopathy (CMYO). Also called: Cardiomyopathies. Identifiers: Orphanet 167848, MedGen C0878544, MONDO:0004994, HP:0001638. Inheritance: Various modes of inheritance.

Allele frequency attached by ClinVar (database versions not stated): gnomAD exomes 0.00011; ExAC 0.00018; 1000 Genomes Project 0.00040; gnomAD 0.00046 and 0.00049; 1000 Genomes Project 30x 0.00047; TOPMed 0.00048; ESP Exome Variant Server 0.00050.
gnomAD v4.1: 121 of 1,566,626 alleles (0.0077%); highest among the groups gnomAD compares: African/African-American, 0.15%; no homozygotes.

Submissions (10):

Women's Health and Genetics/Laboratory Corporation of America, LabCorp
Classification: Likely benign. Last evaluated: 2026-03-17. Review status: criteria provided, single submitter. Criteria: LabCorp Variant Classification Summary - May 2015. Collection method: clinical testing. Allele origin: germline.
Comment: Variant summary: TTN c.50104G>C (p.Val16702Leu) results in a conservative amino acid change in the encoded protein sequence. Algorithms developed to predict the effect of missense changes on protein structure and function all suggest that this variant is likely to be tolerated. The variant allele was found at a frequency of 0.00011 in 181020 control chromosomes, predominantly at a frequency of 0.0016 within the African or African-American subpopulation in the gnomAD database. The observed variant frequency within African or African-American control individuals in the gnomAD database exceeds the estimated maximal expected allele frequency for disease-causing variants in TTN. To our knowledge, no occurrence of c.50104G>C in individuals affected with TTN-related conditions and no experimental evidence demonstrating its impact on protein function have been reported. ClinVar contains an entry for this variant (Variation ID: 192164). Based on the evidence outlined above, the variant was classified as likely benign.

Revvity Omics, Revvity
Classification: Likely benign. Last evaluated: 2025-03-18. Review status: criteria provided, single submitter. Criteria: ACMG Guidelines, 2015. Collection method: clinical testing. Allele origin: germline.

Mayo Clinic Laboratories, Mayo Clinic
Classification: Uncertain significance. Last evaluated: 2022-05-02. Review status: criteria provided, single submitter. Criteria: ACMG Guidelines, 2015. Collection method: clinical testing. Allele origin: germline. Observed: 3 variant alleles.

Ambry Genetics
Classification: Benign for Cardiovascular phenotype. Last evaluated: 2020-07-28. Review status: criteria provided, single submitter. Criteria: Ambry Variant Classification Scheme 2023. Collection method: clinical testing. Allele origin: germline.

GeneDx
Classification: Likely benign. Last evaluated: 2018-01-19. Review status: criteria provided, single submitter. Criteria: GeneDx Variant Classification (06012015). Collection method: clinical testing. Allele origin: germline. Affected: yes.
Comment: This variant is considered likely benign or benign based on one or more of the following criteria: it is a conservative change, it occurs at a poorly conserved position in the protein, it is predicted to be benign by multiple in silico algorithms, and/or has population frequency not consistent with disease.

Labcorp Genetics (formerly Invitae), Labcorp
Classification: Uncertain significance for Dilated cardiomyopathy 1G; Autosomal recessive limb-girdle muscular dystrophy type 2J. Last evaluated: 2017-11-08. Review status: criteria provided, single submitter. Criteria: Invitae Variant Classification Sherloc (09022015). Collection method: clinical testing. Allele origin: germline.

Eurofins Ntd Llc (ga)
Classification: Uncertain significance. Last evaluated: 2017-02-28. Review status: criteria provided, single submitter. Criteria: EGL Classification Definitions 2015. Collection method: clinical testing. Allele origin: germline. Observed: 2 variant alleles, 2 heterozygotes.

CHEO Genetics Diagnostic Laboratory, Children's Hospital of Eastern Ontario
Classification: Uncertain significance for Cardiomyopathy. Last evaluated: 2016-06-21. Review status: criteria provided, single submitter. Criteria: ACMG Guidelines, 2015. Collection method: clinical testing. Allele origin: germline. Study: Canadian Open Genetics Repository.

Biesecker Lab/Clinical Genomics Section, National Institutes of Health
Classification: Likely benign. Last evaluated: 2013-06-24. Review status: criteria provided, single submitter. Criteria: Ng et al. (Circ Cardiovasc Genet. 2013). Collection method: research. Allele origin: unknown. Observed: 1 variant allele. Study: ClinSeq.
Comment: The study set was not selected for affection status in relation to any cancer. Pathogenicity categories were based on literature curation. See Pubmed ID:23861362 for details.

Medical sequencing

PreventionGenetics, part of Exact Sciences
Classification: Likely benign for TTN-related condition. Last evaluated: 2023-01-05. Review status: no assertion criteria provided. Collection method: clinical testing. Allele origin: germline. Not counted in ClinVar's aggregate classification.
Comment: This variant is classified as likely benign based on ACMG/AMP sequence variant interpretation guidelines (Richards et al. 2015 PMID: 25741868, with internal and published modifications).

Literature cited by the submitters: PubMed 23861362 (cited by Ambry Genetics).